The following is an entry in ClinVar:

NM_001330260.2(SCN8A):c.4958A>G (p.Asn1653Ser)

Gene: SCN8A (sodium voltage-gated channel alpha subunit 8; plus strand). Cytogenetic location: 12q13.13.
Variant type: single nucleotide variant.
Coding change: c.4958A>G on transcript NM_001330260.2 (MANE Select); coding-DNA position 4958, A replaced by G.
Protein change: p.Asn1653Ser; replaces asparagine 1653 with serine.
Molecular consequence: missense variant.
Genome position (GRCh38, 1-based): chr12:51,806,444, A>G. VCF-style: chr12-51806444-A-G. GRCh37 (hg19) VCF-style: chr12-52200228-A-G.
Other names: c.4958A>G, p.Asn1653Ser (NM_014191.4); c.4835A>G, p.Asn1612Ser (NM_001177984.3, NM_001369788.1); short protein forms N1612S, N1653S.
Identifiers: ClinVar variation 1192116 (VCV001192116.4), dbSNP rs2138942613, ClinGen allele CA384880689.
Genomic context (GRCh38, chr12:51,806,444, plus strand): 5'-GCGCCAAAGGGATTCGTACCCTGCTCTTTGCCTTAATGATGTCCTTGCCTGCCCTGTTCA[A>G]CATCGGCCTTCTGCTCTTCCTGGTCATGTTCATCTTCTCCATTTTTGGGATGTCCAATTT-3'
Protein context (NP_001317189.1, residues 1643-1663): ALMMSLPALF[Asn1653Ser]IGLLLFLVMF

ClinVar aggregate classification (germline): Uncertain significance (1 of 4 stars; one submission).

Submission:

GeneDx
Classification: Uncertain significance. Last evaluated: 2023-09-17. Review status: criteria provided, single submitter. Criteria: GeneDx Variant Classification Process June 2021. Collection method: clinical testing. Allele origin: germline. Affected: yes.
Comment: Not observed in large population cohorts (gnomAD); The majority of missense variants in this gene are considered pathogenic (HGMD); In silico analysis supports that this missense variant has a deleterious effect on protein structure/function; Has not been previously published as pathogenic or benign to our knowledge; This substitution is predicted to be within the transmembrane segment S5 of the fourth homologous domain